The following is an entry in ClinVar:

NM_001099922.3(ALG13):c.812A>G (p.Glu271Gly)

Gene: ALG13 (ALG13 UDP-N-acetylglucosaminyltransferase subunit; plus strand). Cytogenetic location: Xq23.
Variant type: single nucleotide variant.
Coding change: c.812A>G on transcript NM_001099922.3 (MANE Select); coding-DNA position 812, A replaced by G.
Protein change: p.Glu271Gly; replaces glutamic acid 271 with glycine.
Molecular consequence: missense variant. On other transcripts: non-coding transcript variant (1).
Genome position (GRCh38, 1-based): chrX:111,709,026, A>G. VCF-style: chrX-111709026-A-G. GRCh37 (hg19) VCF-style: chrX-110952254-A-G.
Other names: c.500A>G, p.Glu167Gly (NM_001257230.2, NM_001257234.2, NM_001257237.2 and 1 more transcripts); c.578A>G, p.Glu193Gly (NM_001257231.2); c.812A>G, p.Glu271Gly (NM_001324292.2); short protein forms E167G, E193G, E271G.
Identifiers: ClinVar variation 2836067 (VCV002836067.4), dbSNP rs768330697, ClinGen allele CA10493582.
Genomic context (GRCh38, chrX:111,709,026, plus strand): 5'-TGTTTTGCAGCCAGGTCCATCATTTGGAAATCAGGAAGGCTTGTGTCTCATATATGAGGG[A>G]AAATCAACAAACTTTTGAGTCTGTAAGTAGAATACATACCCAGGGGAGAACTGGTAGAGT-3'
Protein context (NP_001093392.1, residues 261-281): IRKACVSYMR[Glu271Gly]NQQTFESYVE

ClinVar aggregate classification (germline): Uncertain significance. Review status: criteria provided, multiple submitters, no conflicts (2 of 4 stars). 2 submissions from 2 submitters: Uncertain significance (2). Last evaluated 2023-02-10.

Conditions:
Developmental and epileptic encephalopathy, 36 (DEE36). Also called: ALG13-CDG; Congenital disorder of glycosylation, type Is; Epileptic encephalopathy, early infantile, 36. Identifiers: Orphanet 324422, MedGen C4317295, MONDO:0010472, OMIM 300884.

Allele frequency attached by ClinVar (database versions not stated): gnomAD exomes below 0.00001.
gnomAD v4.1: 1 of 1,175,299 alleles (0.000085%); highest among the groups gnomAD compares: Non-Finnish European, 0.00011%; no homozygotes.

Submissions (2):

Labcorp Genetics (formerly Invitae), Labcorp
Classification: Uncertain significance for Developmental and epileptic encephalopathy, 36. Last evaluated: 2023-02-10. Review status: criteria provided, single submitter. Criteria: Invitae Variant Classification Sherloc (09022015). Collection method: clinical testing. Allele origin: germline.
Comment: This sequence change replaces glutamic acid, which is acidic and polar, with glycine, which is neutral and non-polar, at codon 271 of the ALG13 protein (p.Glu271Gly). The frequency data for this variant in the population databases is considered unreliable, as metrics indicate poor data quality at this position in the gnomAD database. This variant has not been reported in the literature in individuals affected with ALG13-related conditions. Advanced modeling of protein sequence and biophysical properties (such as structural, functional, and spatial information, amino acid conservation, physicochemical variation, residue mobility, and thermodynamic stability) performed at Invitae indicates that this missense variant is not expected to disrupt ALG13 protein function. In summary, the available evidence is currently insufficient to determine the role of this variant in disease. Therefore, it has been classified as a Variant of Uncertain Significance.

Blueprint Genetics
Classification: Uncertain significance. Last evaluated: 2021-07-09. Review status: criteria provided, single submitter. Criteria: ACMG Guidelines, 2015. Collection method: clinical testing. Allele origin: germline.